The following is an entry in ClinVar:

ClinVar aggregate classification (germline): Pathogenic. Review status: criteria provided, multiple submitters, no conflicts (2 of 4 stars). 2 submissions from 2 submitters: Pathogenic (2). Last evaluated 2024-10-04.

Conditions:
Neurofibromatosis, type 1 (NF1). Also called: Neurofibromatosis, type I; VON RECKLINGHAUSEN DISEASE; NEUROFIBROMATOSIS, TYPE I, SOMATIC; Peripheral type neurofibromatosis. Identifiers: Orphanet 636, MedGen C0027831, MONDO:0018975, OMIM 162200. Disease mechanism: loss of function.

Submissions (2):

Labcorp Genetics (formerly Invitae), Labcorp
Classification: Pathogenic for Neurofibromatosis, type 1. Last evaluated: 2024-10-04. Review status: criteria provided, single submitter. Criteria: Invitae Variant Classification Sherloc (09022015). Collection method: clinical testing. Allele origin: germline.
Comment: This sequence change creates a premature translational stop signal (p.Val472*) in the NF1 gene. It is expected to result in an absent or disrupted protein product. Loss-of-function variants in NF1 are known to be pathogenic (PMID: 10712197, 23913538). This variant is not present in population databases (gnomAD no frequency). This premature translational stop signal has been observed in individual(s) with NF1-related conditions (PMID: 12807981). ClinVar contains an entry for this variant (Variation ID: 996431). For these reasons, this variant has been classified as Pathogenic.

Genome Diagnostics Laboratory, The Hospital for Sick Children
Classification: Pathogenic for Neurofibromatosis, type 1. Last evaluated: 2020-10-26. Review status: criteria provided, single submitter. Criteria: ACMG Guidelines, 2015. Collection method: clinical testing. Allele origin: germline. Affected: yes.

Literature cited by the submitters: PubMed 10712197 (cited by Labcorp Genetics (formerly Invitae), Labcorp); PubMed 23913538 (cited by Labcorp Genetics (formerly Invitae), Labcorp); PubMed 12807981 (cited by Labcorp Genetics (formerly Invitae), Labcorp).

NM_001042492.3(NF1):c.1414del (p.Lys471_Val472insTer)

Gene: NF1 (neurofibromin 1; plus strand). Cytogenetic location: 17q11.2.
Variant type: Deletion.
Coding change: c.1414del on transcript NM_001042492.3 (MANE Select); coding-DNA position 1414, one base deleted (G; older notation c.1414delG).
Protein change: p.Lys471_Val472insTer.
Molecular consequence: nonsense. On other transcripts: frameshift variant (1).
Genome position (GRCh38, 1-based): chr17:31,214,472, G deleted. VCF-style (leftmost placement, unchanged base first): chr17-31214471-AG-A. GRCh37 (hg19) VCF-style: chr17-29541489-AG-A.
Other names: c.1414delG (NM_000267.3); c.1414delG, p.Val472Terfs (NM_000267.4); c.1414del, p.Lys471_Val472insTer (NM_001128147.3).
Identifiers: ClinVar variation 996431 (VCV000996431.5), dbSNP rs2066785835, ClinGen allele CA2255556373.